The following is an entry in ClinVar:

ClinVar aggregate classification (germline): Uncertain significance (1 of 4 stars; one submission).

Conditions:
Familial intrahepatic cholestasis. Identifiers: Orphanet 284385, MedGen CN296401, MONDO:0017290.

Submission:

Genomenon, Inc
Classification: Uncertain significance for Familial intrahepatic cholestasis. Last evaluated: 2026-04-14. Review status: criteria provided, single submitter. Criteria: Genomenon Sequence Variant Interpretation Standards - Updated. Collection method: curation. Allele origin: germline. Affected: no.
Comment: ABCB11 p.Gly295Cys (c.883G>T) is a missense variant that changes the amino acid at residue 295 from Glycine to Cysteine. This variant has been reported in the published literature (PMID:22795478). It is absent or not present at a significant frequency in gnomAD. In silico models predict that this variant is possibly or probably damaging. In conclusion, we classify ABCB11 p.Gly295Cys (c.883G>T) as a variant of uncertain significance.

Literature cited by the submitters: PubMed 22795478.

NM_003742.4(ABCB11):c.883G>T (p.Gly295Cys)

Gene: ABCB11 (ATP binding cassette subfamily B member 11; minus strand). Cytogenetic location: 2q31.1.
Variant type: single nucleotide variant.
Coding change: c.883G>T on transcript NM_003742.4 (MANE Select); coding-DNA position 883, G replaced by T.
Protein change: p.Gly295Cys; replaces glycine 295 with cysteine.
Molecular consequence: missense variant.
Genome position (GRCh38, 1-based): chr2:168,990,826, C>A on the plus strand (G>T on the coding strand, the complement: ABCB11 is on the minus strand). VCF-style: chr2-168990826-C-A. GRCh37 (hg19) VCF-style: chr2-169847336-C-A.
Other names: short protein forms G295C.
Identifiers: ClinVar variation 4846019 (VCV004846019.1).
Genomic context (GRCh38, chr2:168,990,826, plus strand): 5'-AAATTAAGGAAAGAATCAGATTCCAATTAACCAACCTTTCAACCTCTCTTTTCTCACCAC[C>A]AAAAGCAGCCACTGTTCTCATTGATGAAATGACTTCATCAGCCACCACCCCTGCTTTGGC-3'
Protein context (NP_003733.2, residues 285-305): ISSMRTVAAF[Gly295Cys]GEKREVERYE